The following is an entry in ClinVar:

NM_000548.5(TSC2):c.5293C>A (p.Leu1765Ile)

Gene: TSC2 (TSC complex subunit 2; plus strand). Cytogenetic location: 16p13.3.
Variant type: single nucleotide variant.
Coding change: c.5293C>A on transcript NM_000548.5 (MANE Select); coding-DNA position 5293, C replaced by A.
Protein change: p.Leu1765Ile; replaces leucine 1765 with isoleucine.
Molecular consequence: missense variant.
Genome position (GRCh38, 1-based): chr16:2,088,479, C>A. VCF-style: chr16-2088479-C-A. GRCh37 (hg19) VCF-style: chr16-2138480-C-A.
Other names: c.5092C>A, p.Leu1698Ile (NM_001077183.3); c.5224C>A, p.Leu1742Ile (NM_001114382.3); c.4984C>A, p.Leu1662Ile (NM_001318827.2); c.4948C>A, p.Leu1650Ile (NM_001318829.2); c.4561C>A, p.Leu1521Ile (NM_001318831.2); c.5125C>A, p.Leu1709Ile (NM_001318832.2); c.5095C>A, p.Leu1699Ile (NM_001363528.2); c.5161C>A, p.Leu1721Ile (NM_001370404.1); and 2 more; short protein forms L1765I, L1698I, L1699I, L1650I, L1709I, L1521I, L1662I, L1742I.
Identifiers: ClinVar variation 569854 (VCV000569854.8), dbSNP rs1060500954, ClinGen allele CA394315286.

ClinVar aggregate classification (germline): Uncertain significance (1 of 4 stars; one submission).

Conditions:
Tuberous sclerosis 2 (TSC2). Identifiers: Orphanet 805, MedGen C1860707, MONDO:0013199, OMIM 613254.

Submission:

Labcorp Genetics (formerly Invitae), Labcorp
Classification: Uncertain significance for Tuberous sclerosis 2. Last evaluated: 2020-09-09. Review status: criteria provided, single submitter. Criteria: Invitae Variant Classification Sherloc (09022015). Collection method: clinical testing. Allele origin: germline.
Comment: In summary, the available evidence is currently insufficient to determine the role of this variant in disease. Therefore, it has been classified as a Variant of Uncertain Significance. Algorithms developed to predict the effect of missense changes on protein structure and function (SIFT, PolyPhen-2, Align-GVGD) all suggest that this variant is likely to be tolerated, but these predictions have not been confirmed by published functional studies and their clinical significance is uncertain. This variant has not been reported in the literature in individuals with TSC2-related disease. This variant is not present in population databases (ExAC no frequency). This sequence change replaces leucine with isoleucine at codon 1765 of the TSC2 protein (p.Leu1765Ile). The leucine residue is moderately conserved and there is a small physicochemical difference between leucine and isoleucine.